The following is an entry in ClinVar:

ClinVar aggregate classification (germline): Uncertain significance (1 of 4 stars; one submission).

Conditions:
Cardiovascular phenotype. Identifiers: MedGen CN230736.

Submission:

Ambry Genetics
Classification: Uncertain significance for Cardiovascular phenotype. Last evaluated: 2020-11-06. Review status: criteria provided, single submitter. Criteria: Ambry Variant Classification Scheme 2023. Collection method: clinical testing. Allele origin: germline.
Comment: The p.A355D variant (also known as c.1064C>A), located in coding exon 8 of the AKAP9 gene, results from a C to A substitution at nucleotide position 1064. The alanine at codon 355 is replaced by aspartic acid, an amino acid with dissimilar properties. This amino acid position is not well conserved in available vertebrate species. In addition, this alteration is predicted to be tolerated by in silico analysis. Since supporting evidence is limited at this time, the clinical significance of this alteration remains unclear.

NM_005751.5(AKAP9):c.1064C>A (p.Ala355Asp)

Gene: AKAP9 (A-kinase anchoring protein 9; plus strand). Cytogenetic location: 7q21.2.
Variant type: single nucleotide variant.
Coding change: c.1064C>A on transcript NM_005751.5 (MANE Select); coding-DNA position 1064, C replaced by A.
Protein change: p.Ala355Asp; replaces alanine 355 with aspartic acid.
Molecular consequence: missense variant.
Genome position (GRCh38, 1-based): chr7:92,000,981, C>A. VCF-style: chr7-92000981-C-A. GRCh37 (hg19) VCF-style: chr7-91630295-C-A.
Other names: c.1064C>A, p.Ala355Asp (NM_147185.3); short protein forms A355D.
Identifiers: ClinVar variation 1781236 (VCV001781236.2), dbSNP rs2484688812, ClinGen allele CA368120923.